The following is an entry in ClinVar:

NM_015978.3(TNNI3K):c.543G>A (p.Gln181=)

Genes: FPGT-TNNI3K (FPGT-TNNI3K readthrough; plus strand), TNNI3K (TNNI3 interacting kinase; plus strand). Cytogenetic location: 1p31.1.
Variant type: single nucleotide variant.
Coding change: c.543G>A on transcript NM_015978.3 (MANE Select); coding-DNA position 543, G replaced by A.
Protein change: p.Gln181=; no amino-acid change (glutamine 181 retained).
Molecular consequence: synonymous variant.
Genome position (GRCh38, 1-based): chr1:74,331,548, G>A. VCF-style: chr1-74331548-G-A. GRCh37 (hg19) VCF-style: chr1-74797232-G-A.
Other names: c.846G>A, p.Gln282= (NM_001112808.3, NM_001199327.2).
Identifiers: ClinVar variation 2026398 (VCV002026398.4), dbSNP rs2524314635, ClinGen allele CA418322112.

ClinVar aggregate classification (germline): Uncertain significance (1 of 4 stars; one submission).

Submission:

Labcorp Genetics (formerly Invitae), Labcorp
Classification: Uncertain significance. Last evaluated: 2022-08-22. Review status: criteria provided, single submitter. Criteria: Invitae Variant Classification Sherloc (09022015). Collection method: clinical testing. Allele origin: germline.
Comment: This variant has not been reported in the literature in individuals affected with TNNI3K-related conditions. In summary, the available evidence is currently insufficient to determine the role of this variant in disease. Therefore, it has been classified as a Variant of Uncertain Significance. Variants that disrupt the consensus splice site are a relatively common cause of aberrant splicing (PMID: 17576681, 9536098). Algorithms developed to predict the effect of sequence changes on RNA splicing suggest that this variant is not likely to affect RNA splicing. This variant is not present in population databases (gnomAD no frequency). This sequence change affects codon 181 of the TNNI3K mRNA. It is a 'silent' change, meaning that it does not change the encoded amino acid sequence of the TNNI3K protein. This variant also falls at the last nucleotide of exon 6, which is part of the consensus splice site for this exon.

Literature cited by the submitters: PubMed 17576681; PubMed 9536098.